The following is an entry in ClinVar:

ClinVar aggregate classification (germline): Uncertain significance (1 of 4 stars; one submission).

Conditions:
Cardiovascular phenotype. Identifiers: MedGen CN230736.

Submission:

Ambry Genetics
Classification: Uncertain significance for Cardiovascular phenotype. Last evaluated: 2025-01-27. Review status: criteria provided, single submitter. Criteria: Ambry Variant Classification Scheme 2023. Collection method: clinical testing. Allele origin: germline.
Comment: The p.P729T variant (also known as c.2185C>A), located in coding exon 17 of the MYH6 gene, results from a C to A substitution at nucleotide position 2185. The proline at codon 729 is replaced by threonine, an amino acid with highly similar properties. This amino acid position is conserved. In addition, the in silico prediction for this alteration is inconclusive. Based on the available evidence, the clinical significance of this variant remains unclear.

NM_002471.4(MYH6):c.2185C>A (p.Pro729Thr)

Gene: MYH6 (myosin heavy chain 6; minus strand). Cytogenetic location: 14q11.2.
Variant type: single nucleotide variant.
Coding change: c.2185C>A on transcript NM_002471.4 (MANE Select); coding-DNA position 2185, C replaced by A.
Protein change: p.Pro729Thr; replaces proline 729 with threonine.
Molecular consequence: missense variant.
Genome position (GRCh38, 1-based): chr14:23,396,801, G>T on the plus strand (C>A on the coding strand, the complement: MYH6 is on the minus strand). VCF-style: chr14-23396801-G-T. GRCh37 (hg19) VCF-style: chr14-23866010-G-T.
Other names: short protein forms P729T.
Identifiers: ClinVar variation 3876448 (VCV003876448.1).